The following is an entry in ClinVar:

ClinVar aggregate classification (germline): Uncertain significance. Review status: criteria provided, multiple submitters, no conflicts (2 of 4 stars). 2 submissions from 2 submitters: Uncertain significance (2). Last evaluated 2024-07-17.

Conditions:
Emery-Dreifuss muscular dystrophy (EDMD). Also called: Scapuloperoneal syndrome, X-linked (formerly); Humeroperoneal neuromuscular disease, (formerly). Identifiers: Orphanet 261, MedGen C0410189, MONDO:0016830.

gnomAD v4.1: 1 of 1,614,258 alleles (0.000062%); highest among the groups gnomAD compares: Admixed American, 0.0017%; no homozygotes.

Submissions (2):

Ambry Genetics
Classification: Uncertain significance. Last evaluated: 2024-07-17. Review status: criteria provided, single submitter. Criteria: Ambry Variant Classification Scheme 2023. Collection method: clinical testing. Allele origin: germline.

Labcorp Genetics (formerly Invitae), Labcorp
Classification: Uncertain significance for Emery-Dreifuss muscular dystrophy. Last evaluated: 2023-07-10. Review status: criteria provided, single submitter. Criteria: Invitae Variant Classification Sherloc (09022015). Collection method: clinical testing. Allele origin: germline.
Comment: In summary, the available evidence is currently insufficient to determine the role of this variant in disease. Therefore, it has been classified as a Variant of Uncertain Significance. An algorithm developed to predict the effect of missense changes on protein structure and function (PolyPhen-2) suggests that this variant is likely to be disruptive. This variant has not been reported in the literature in individuals affected with SUN1-related conditions. This variant is present in population databases (no rsID available, gnomAD 0.003%). This sequence change replaces serine, which is neutral and polar, with threonine, which is neutral and polar, at codon 538 of the SUN1 protein (p.Ser538Thr).

NM_001130965.3(SUN1):c.1612T>A (p.Ser538Thr)

Gene: SUN1 (Sad1 and UNC84 domain containing 1; plus strand). Cytogenetic location: 7p22.3.
Variant type: single nucleotide variant.
Coding change: c.1612T>A on transcript NM_001130965.3 (MANE Select); coding-DNA position 1612, T replaced by A.
Protein change: p.Ser538Thr; replaces serine 538 with threonine.
Molecular consequence: missense variant. On other transcripts: non-coding transcript variant (3).
Genome position (GRCh38, 1-based): chr7:860,215, T>A. VCF-style: chr7-860215-T-A. GRCh37 (hg19) VCF-style: chr7-899852-T-A.
Other names: c.1474T>A, p.Ser492Thr (NM_001367648.1); c.1657T>A, p.Ser553Thr (NM_001367649.1); c.2026T>A, p.Ser676Thr (NM_001367651.1); c.1612T>A, p.Ser538Thr (NM_001367653.1, NM_001367633.1, NM_001367634.1); c.1822T>A, p.Ser608Thr (NM_001367655.1, NM_001367700.1); c.898T>A, p.Ser300Thr (NM_001367658.1); c.1429T>A, p.Ser477Thr (NM_001367660.1); c.1459T>A, p.Ser487Thr (NM_001367662.1, NM_001367671.1); and 44 more; short protein forms S349T, S477T, S512T, S524T, S533T, S553T, S564T, S574T.
Identifiers: ClinVar variation 2966389 (VCV002966389.4), dbSNP rs952973874, ClinGen allele CA366533586.